The following is an entry in ClinVar:

ClinVar aggregate classification (germline): Pathogenic/Likely pathogenic. Review status: criteria provided, multiple submitters, no conflicts (2 of 4 stars). 2 submissions from 2 submitters: Pathogenic (1); Likely pathogenic (1). Last evaluated 2023-04-11.

Conditions:
ANO3-related disorder. Also called: ANO3-related condition.
Dystonic disorder. Also called: Dystonia. Identifiers: MedGen C0013421, MONDO:0003441, HP:0001332.

Submissions (2):

Blueprint Genetics
Classification: Likely pathogenic for ANO3-related disorders. Last evaluated: 2023-04-11. Review status: criteria provided, single submitter. Criteria: ACMG Guidelines, 2015. Collection method: clinical testing. Allele origin: germline. Affected: yes. Observed: 1 variant allele.

Labcorp Genetics (formerly Invitae), Labcorp
Classification: Pathogenic for Dystonic disorder. Last evaluated: 2023-01-17. Review status: criteria provided, single submitter. Criteria: Invitae Variant Classification Sherloc (09022015). Collection method: clinical testing. Allele origin: germline.
Comment: For these reasons, this variant has been classified as Pathogenic. Advanced modeling of protein sequence and biophysical properties (such as structural, functional, and spatial information, amino acid conservation, physicochemical variation, residue mobility, and thermodynamic stability) performed at Invitae indicates that this missense variant is expected to disrupt ANO3 protein function. This missense change has been observed in individual(s) with dystonia (Invitae). In at least one individual the variant was observed to be de novo. This variant is not present in population databases (gnomAD no frequency). This sequence change replaces glycine, which is neutral and non-polar, with arginine, which is basic and polar, at codon 567 of the ANO3 protein (p.Gly567Arg).

NM_031418.4(ANO3):c.1699G>C (p.Gly567Arg)

Gene: ANO3 (anoctamin 3; plus strand). Cytogenetic location: 11p14.2.
Variant type: single nucleotide variant.
Coding change: c.1699G>C on transcript NM_031418.4 (MANE Select); coding-DNA position 1699, G replaced by C.
Protein change: p.Gly567Arg; replaces glycine 567 with arginine.
Molecular consequence: missense variant.
Genome position (GRCh38, 1-based): chr11:26,599,577, G>C. VCF-style: chr11-26599577-G-C. GRCh37 (hg19) VCF-style: chr11-26621124-G-C.
Other names: c.1882G>C, p.Gly628Arg (NM_001313726.2); c.1261G>C, p.Gly421Arg (NM_001313727.2); short protein forms G421R, G567R, G628R.
Identifiers: ClinVar variation 2829570 (VCV002829570.4), dbSNP rs2132929609, ClinGen allele CA379941325.